The following is an entry in ClinVar:

ClinVar aggregate classification (germline): Likely benign (0 of 4 stars; one submission).

Conditions:
MPZL2-related disorder. Also called: MPZL2-related condition.

Allele frequency attached by ClinVar (database versions not stated): TOPMed 0.00009; gnomAD 0.00010; gnomAD exomes 0.00011; ExAC 0.00012; 1000 Genomes Project 30x 0.00031; 1000 Genomes Project 0.00040.
gnomAD v4.1: 176 of 1,611,848 alleles (0.011%); highest among the groups gnomAD compares: Middle Eastern, 0.033%; 1 homozygote.

Submission:

PreventionGenetics, part of Exact Sciences
Classification: Likely benign for MPZL2-related condition. Last evaluated: 2019-11-01. Review status: no assertion criteria provided. Collection method: clinical testing. Allele origin: germline.
Comment: This variant is classified as likely benign based on ACMG/AMP sequence variant interpretation guidelines (Richards et al. 2015 PMID: 25741868, with internal and published modifications).

NM_005797.4(MPZL2):c.630T>C (p.Tyr210=)

Gene: MPZL2 (myelin protein zero like 2; minus strand). Cytogenetic location: 11q23.3.
Variant type: single nucleotide variant.
Coding change: c.630T>C on transcript NM_005797.4 (MANE Select); coding-DNA position 630, T replaced by C.
Protein change: p.Tyr210=; no amino-acid change (tyrosine 210 retained).
Molecular consequence: synonymous variant.
Genome position (GRCh38, 1-based): chr11:118,257,268, A>G on the plus strand (T>C on the coding strand, the complement: MPZL2 is on the minus strand). VCF-style: chr11-118257268-A-G. GRCh37 (hg19) VCF-style: chr11-118127983-A-G.
Other names: c.630T>C, p.Tyr210= (NM_144765.3).
Identifiers: ClinVar variation 3040608 (VCV003040608.2), dbSNP rs201821130, ClinGen allele CA6301292.